The following is an entry in ClinVar:

NM_181486.4(TBX5):c.*77A>G

Gene: TBX5 (T-box transcription factor 5; minus strand). Cytogenetic location: 12q24.21.
Variant type: single nucleotide variant.
Coding change: c.*77A>G on transcript NM_181486.4 (MANE Select); 77 bases downstream of the stop codon, A replaced by G.
Molecular consequence: 3 prime UTR variant.
Genome position (GRCh38, 1-based): chr12:114,355,455, T>C on the plus strand (A>G on the coding strand, the complement: TBX5 is on the minus strand). VCF-style: chr12-114355455-T-C. GRCh37 (hg19) VCF-style: chr12-114793260-T-C.
Other names: c.*77A>G (NM_000192.3, NM_080717.4).
Identifiers: ClinVar variation 307301 (VCV000307301.9), dbSNP rs28730761, ClinGen allele CA6809296.

ClinVar aggregate classification (germline): Benign. Review status: criteria provided, multiple submitters, no conflicts (2 of 4 stars). 3 submissions from 3 submitters: Benign (3). Last evaluated 2019-08-24.

Conditions:
Holt-Oram syndrome (HOS). Also called: Ventriculo-radial syndrome; Cardiac-limb syndrome; Heart-hand syndrome, type 1; TBX5-Related Holt-Oram Syndrome. Identifiers: Orphanet 392, MedGen C0265264, MONDO:0007732, OMIM 142900.

Allele frequency attached by ClinVar (database versions not stated): 1000 Genomes Project 0.05711; gnomAD exomes 0.08909 and 0.10528; TOPMed 0.07034; gnomAD 0.07937 and 0.07861; ExAC 0.13971; 1000 Genomes Project 30x 0.05840.
gnomAD v4.1: 159,422 of 1,557,412 alleles (10%); highest among the groups gnomAD compares: Non-Finnish European, 11%; 9,127 homozygotes.

Submissions (3):

GeneDx
Classification: Benign. Last evaluated: 2019-08-24. Review status: criteria provided, single submitter. Criteria: GeneDx Variant Classification Process June 2021. Collection method: clinical testing. Allele origin: germline. Affected: yes.

Illumina Laboratory Services, Illumina
Classification: Benign for Holt-Oram syndrome. Last evaluated: 2018-01-13. Review status: criteria provided, single submitter. Criteria: ICSL Variant Classification Criteria 13 December 2019. Collection method: clinical testing. Allele origin: germline.
Comment: This variant was observed in the ICSL laboratory as part of a predisposition screen in an ostensibly healthy population. It had not been previously curated by ICSL or reported in the Human Gene Mutation Database (HGMD: prior to June 1st, 2018), and was therefore a candidate for classification through an automated scoring system. Utilizing variant allele frequency, disease prevalence and penetrance estimates, and inheritance mode, an automated score was calculated to assess if this variant is too frequent to cause the disease. Based on the score and internal cut-off values, a variant classified as benign is not then subjected to further curation. The score for this variant resulted in a classification of benign for this disease.

Breakthrough Genomics
Classification: Benign. Review status: criteria provided, single submitter. Criteria: ACMG Guidelines, 2015. Collection method: not provided. Allele origin: germline. Inheritance: Autosomal dominant inheritance. Affected: yes.